The following is an entry in ClinVar:

NM_006389.5(HYOU1):c.1456C>A (p.Arg486Ser)

Gene: HYOU1 (hypoxia up-regulated 1; minus strand). Cytogenetic location: 11q23.3.
Variant type: single nucleotide variant.
Coding change: c.1456C>A on transcript NM_006389.5 (MANE Select); coding-DNA position 1456, C replaced by A.
Protein change: p.Arg486Ser; replaces arginine 486 with serine.
Molecular consequence: missense variant.
Genome position (GRCh38, 1-based): chr11:119,051,508, G>T on the plus strand (C>A on the coding strand, the complement: HYOU1 is on the minus strand). VCF-style: chr11-119051508-G-T. GRCh37 (hg19) VCF-style: chr11-118922220-G-T.
Other names: c.1456C>A, p.Arg486Ser (NM_001130991.3, NM_001411041.1); short protein forms R486S.
Identifiers: ClinVar variation 3630304 (VCV003630304.2).

ClinVar aggregate classification (germline): Uncertain significance (1 of 4 stars; one submission).

gnomAD v4.1: 6 of 1,614,158 alleles (0.00037%); highest among the groups gnomAD compares: Non-Finnish European, 0.00051%; no homozygotes.

Submission:

Labcorp Genetics (formerly Invitae), Labcorp
Classification: Uncertain significance. Last evaluated: 2024-12-05. Review status: criteria provided, single submitter. Criteria: Invitae Variant Classification Sherloc (09022015). Collection method: clinical testing. Allele origin: germline.
Comment: This sequence change replaces arginine, which is basic and polar, with serine, which is neutral and polar, at codon 486 of the HYOU1 protein (p.Arg486Ser). This variant is not present in population databases (gnomAD no frequency). This variant has not been reported in the literature in individuals affected with HYOU1-related conditions. An algorithm developed to predict the effect of missense changes on protein structure and function (PolyPhen-2) suggests that this variant is likely to be disruptive. In summary, the available evidence is currently insufficient to determine the role of this variant in disease. Therefore, it has been classified as a Variant of Uncertain Significance.